The following is an entry in ClinVar:

NM_004836.7(EIF2AK3):c.1511C>T (p.Pro504Leu)

Gene: EIF2AK3 (eukaryotic translation initiation factor 2 alpha kinase 3; minus strand). Cytogenetic location: 2p11.2.
Variant type: single nucleotide variant.
Coding change: c.1511C>T on transcript NM_004836.7 (MANE Select); coding-DNA position 1511, C replaced by T.
Protein change: p.Pro504Leu; replaces proline 504 with leucine.
Molecular consequence: missense variant.
Genome position (GRCh38, 1-based): chr2:88,585,980, G>A on the plus strand (C>T on the coding strand, the complement: EIF2AK3 is on the minus strand). VCF-style: chr2-88585980-G-A. GRCh37 (hg19) VCF-style: chr2-88885498-G-A.
Other names: c.1058C>T, p.Pro353Leu (NM_001313915.2); short protein forms P353L, P504L.
Identifiers: ClinVar variation 1476795 (VCV001476795.6), dbSNP rs2104429603, ClinGen allele CA347594527.

ClinVar aggregate classification (germline): Uncertain significance (1 of 4 stars; one submission).

Allele frequency attached by ClinVar (database versions not stated): gnomAD exomes below 0.00001.
gnomAD v4.1: 1 of 1,614,076 alleles (0.000062%); highest among the groups gnomAD compares: South Asian, 0.0011%; no homozygotes.

Submission:

Labcorp Genetics (formerly Invitae), Labcorp
Classification: Uncertain significance. Last evaluated: 2021-09-21. Review status: criteria provided, single submitter. Criteria: Invitae Variant Classification Sherloc (09022015). Collection method: clinical testing. Allele origin: germline.
Comment: This sequence change replaces proline with leucine at codon 504 of the EIF2AK3 protein (p.Pro504Leu). The proline residue is weakly conserved and there is a moderate physicochemical difference between proline and leucine. This variant is not present in population databases (ExAC no frequency). This variant has not been reported in the literature in individuals affected with EIF2AK3-related conditions. Algorithms developed to predict the effect of missense changes on protein structure and function output the following: SIFT: "Tolerated"; PolyPhen-2: "Benign"; Align-GVGD: "Class C0". The leucine amino acid residue is found in multiple mammalian species, which suggests that this missense change does not adversely affect protein function. In summary, the available evidence is currently insufficient to determine the role of this variant in disease. Therefore, it has been classified as a Variant of Uncertain Significance.